The following is an entry in ClinVar:

NM_000535.7(PMS2):c.846G>A (p.Arg282=)

Gene: PMS2 (PMS1 homolog 2, mismatch repair system component; minus strand). Cytogenetic location: 7p22.1.
Variant type: single nucleotide variant.
Coding change: c.846G>A on transcript NM_000535.7 (MANE Select); coding-DNA position 846, G replaced by A.
Protein change: p.Arg282=; no amino-acid change (arginine 282 retained).
Molecular consequence: synonymous variant. On other transcripts: 5 prime UTR variant (2), non-coding transcript variant (1).
Genome position (GRCh38, 1-based): chr7:5,995,591, C>T on the plus strand (G>A on the coding strand, the complement: PMS2 is on the minus strand). VCF-style: chr7-5995591-C-T. GRCh37 (hg19) VCF-style: chr7-6035222-C-T.
Other names: c.441G>A, p.Arg147= (NM_001322003.2, NM_001322004.2, NM_001322005.2 and 2 more transcripts); c.846G>A, p.Arg282= (NM_001322006.2, NM_001322014.2); c.528G>A, p.Arg176= (NM_001322007.2, NM_001322008.2); c.-88G>A (NM_001322011.2, NM_001322012.2); c.273G>A, p.Arg91= (NM_001322013.2); c.537G>A, p.Arg179= (NM_001322015.2).
Identifiers: ClinVar variation 759173 (VCV000759173.13), dbSNP rs753748043, ClinGen allele CA453645832.

ClinVar aggregate classification (germline): Benign/Likely benign. Review status: criteria provided, multiple submitters, no conflicts (2 of 4 stars). 4 submissions from 4 submitters: Benign (1); Likely benign (3). Last evaluated 2025-01-28.

Conditions:
Lynch syndrome. Identifiers: Orphanet 144, MedGen C4552100, MONDO:0005835. Disease mechanism: loss of function.
Lynch syndrome 4 (LYNCH4). Also called: Colorectal cancer, hereditary nonpolyposis, type 4; Hereditary non-polyposis colorectal cancer, type 4. Identifiers: Orphanet 144, MedGen C1838333, MONDO:0013699, OMIM 614337. Disease mechanism: loss of function.
Hereditary nonpolyposis colorectal neoplasms. Identifiers: MedGen C0009405, MeSH D003123.
Hereditary cancer-predisposing syndrome. Also called: Tumor predisposition; Neoplastic Syndromes, Hereditary; Hereditary Cancer Syndrome; Hereditary neoplastic syndrome. Identifiers: Orphanet 140162, MedGen C0027672, MeSH D009386, MONDO:0015356.

Allele frequency attached by ClinVar (database versions not stated): TOPMed below 0.00001; gnomAD 0.00001.
gnomAD v4.1: 1 of 1,613,852 alleles (0.000062%); highest among the groups gnomAD compares: Non-Finnish European, 0.000085%; no homozygotes.

Submissions (4):

Myriad Genetics, Inc.
Classification: Benign for Lynch syndrome 4. Last evaluated: 2025-01-28. Review status: criteria provided, single submitter. Criteria: Myriad Autosomal Dominant, Autosomal Recessive and X-Linked Classification Criteria (2023). Collection method: clinical testing. Allele origin: unknown.
Comment: This variant is considered benign. This variant is a silent/synonymous amino acid change and it is not expected to impact splicing.

Ambry Genetics
Classification: Likely benign for Hereditary cancer-predisposing syndrome. Last evaluated: 2024-07-31. Review status: criteria provided, single submitter. Criteria: Ambry Variant Classification Scheme 2023. Collection method: clinical testing. Allele origin: germline.

All of Us Research Program, National Institutes of Health
Classification: Likely benign for Lynch syndrome. Last evaluated: 2023-05-04. Review status: criteria provided, single submitter. Criteria: ACMG Guidelines, 2015. Collection method: clinical testing. Allele origin: germline. Inheritance: Autosomal dominant inheritance. Observed: 1 variant allele, 1 heterozygote.
Comment: This study involves interpretation of variants in research participants for the purpose of population health screening. Participant phenotype was not available at the time of variant classification. Additional details can be found in publication PMID: 35346344, PMCID: PMC8962531

Labcorp Genetics (formerly Invitae), Labcorp
Classification: Likely benign for Hereditary nonpolyposis colorectal neoplasms. Last evaluated: 2018-11-28. Review status: criteria provided, single submitter. Criteria: Invitae Variant Classification Sherloc (09022015). Collection method: clinical testing. Allele origin: germline.